The following is an entry in ClinVar:

ClinVar aggregate classification (germline): Conflicting classifications of pathogenicity. Review status: criteria provided, conflicting classifications (1 of 4 stars). 3 submissions from 3 submitters: Uncertain significance (1); Likely benign (2). Last evaluated 2025-04-02.

Conditions:
DTHD1-related disorder. Also called: DTHD1-related condition.

Allele frequency attached by ClinVar (database versions not stated): gnomAD 0.00006; gnomAD exomes 0.00011; TOPMed 0.00011; 1000 Genomes Project 0.00020; 1000 Genomes Project 30x 0.00031.
gnomAD v4.1: 70 of 1,537,098 alleles (0.0046%); highest among the groups gnomAD compares: Admixed American, 0.13%; no homozygotes.

Submissions (3):

PreventionGenetics, part of Exact Sciences
Classification: Likely benign for DTHD1-related condition. Last evaluated: 2025-04-02. Review status: criteria provided, single submitter. Criteria: ACMG Guidelines, 2015. Collection method: clinical testing. Allele origin: germline.
Comment: This variant is classified as likely benign based on ACMG/AMP sequence variant interpretation guidelines (Richards et al. 2015 PMID: 25741868, with internal and published modifications).

Blueprint Genetics
Classification: Likely benign. Last evaluated: 2024-01-29. Review status: criteria provided, single submitter. Criteria: ACMG Guidelines, 2015. Collection method: clinical testing. Allele origin: germline.

Ambry Genetics
Classification: Uncertain significance. Last evaluated: 2023-12-14. Review status: criteria provided, single submitter. Criteria: Ambry Variant Classification Scheme 2023. Collection method: clinical testing. Allele origin: germline.

NM_001170700.3(DTHD1):c.608G>T (p.Gly203Val)

Gene: DTHD1 (death domain containing 1; plus strand). Cytogenetic location: 4p14.
Variant type: single nucleotide variant.
Coding change: c.608G>T on transcript NM_001170700.3 (MANE Select); coding-DNA position 608, G replaced by T.
Protein change: p.Gly203Val; replaces glycine 203 with valine.
Molecular consequence: missense variant. On other transcripts: non-coding transcript variant (2), intron variant (2).
Genome position (GRCh38, 1-based): chr4:36,284,312, G>T. VCF-style: chr4-36284312-G-T. GRCh37 (hg19) VCF-style: chr4-36285934-G-T.
Other names: c.233G>T (NM_001170700.2); c.17+2283G>T (NM_001136536.5, NM_001378435.1); short protein forms G203V.
Identifiers: ClinVar variation 3086061 (VCV003086061.3), dbSNP rs192124414, ClinGen allele CA95763706.
Genomic context (GRCh38, chr4:36,284,312, plus strand): 5'-ATATGAGTTCAGCATTAGTGGAAAAAGAAAACAATACATCACTGAATGGACGTGTACTGG[G>T]GCAAGAAGAGTCACAGAATAAAATGTTCCCAGATAATGCAGAAAATGAAGATGATAAACA-3'
Protein context (NP_001164171.2, residues 193-213): NNTSLNGRVL[Gly203Val]QEESQNKMFP